The following is an entry in ClinVar:

NM_001844.5(COL2A1):c.3878G>A (p.Trp1293Ter)

Gene: COL2A1 (collagen type II alpha 1 chain; minus strand). Cytogenetic location: 12q13.11.
Variant type: single nucleotide variant.
Coding change: c.3878G>A on transcript NM_001844.5 (MANE Select); coding-DNA position 3878, G replaced by A.
Protein change: p.Trp1293Ter; replaces tryptophan 1293 with a stop codon.
Molecular consequence: nonsense.
Genome position (GRCh38, 1-based): chr12:47,975,325, C>T on the plus strand (G>A on the coding strand, the complement: COL2A1 is on the minus strand). VCF-style: chr12-47975325-C-T. GRCh37 (hg19) VCF-style: chr12-48369108-C-T.
Other names: c.3671G>A, p.Trp1224Ter (NM_033150.3); short protein forms W1224*, W1293*.
Identifiers: ClinVar variation 3572460 (VCV003572460.3).

ClinVar aggregate classification (germline): Pathogenic. Review status: criteria provided, multiple submitters, no conflicts (2 of 4 stars). 2 submissions from 2 submitters: Pathogenic (2). Last evaluated 2025-11-27.

Submissions (2):

Labcorp Genetics (formerly Invitae), Labcorp
Classification: Pathogenic. Last evaluated: 2025-11-27. Review status: criteria provided, single submitter. Criteria: Invitae Variant Classification Sherloc (09022015). Collection method: clinical testing. Allele origin: germline.
Comment: This sequence change creates a premature translational stop signal (p.Trp1293*) in the COL2A1 gene. It is expected to result in an absent or disrupted protein product. Loss-of-function variants in COL2A1 are known to be pathogenic (PMID: 20179744). This variant is not present in population databases (gnomAD no frequency). This premature translational stop signal has been observed in individual(s) with COL2A1-related conditions (PMID: 20179744). ClinVar contains an entry for this variant (Variation ID: 3572460). For these reasons, this variant has been classified as Pathogenic.

GeneDx
Classification: Pathogenic. Last evaluated: 2025-11-17. Review status: criteria provided, single submitter. Criteria: GeneDx Variant Classification Process June 2021. Collection method: clinical testing. Allele origin: germline.
Comment: Nonsense variant predicted to result in protein truncation or nonsense mediated decay in a gene for which loss of function is a known mechanism of disease; Not observed at significant frequency in large population cohorts (gnomAD); This variant is associated with the following publications: (PMID: 40175531, 25525159, 20179744)

Literature cited by the submitters: PubMed 20179744 (cited by Labcorp Genetics (formerly Invitae), Labcorp).